The following is an entry in ClinVar:

ClinVar aggregate classification (germline): Uncertain significance (1 of 4 stars; one submission).

Conditions:
Primary ciliary dyskinesia 32. Also called: CILIARY DYSKINESIA, PRIMARY, 32, WITHOUT SITUS INVERSUS. Identifiers: Orphanet 244, MedGen C4225311, MONDO:0014657, OMIM 616481.

Allele frequency attached by ClinVar (database versions not stated): TOPMed 0.00003; gnomAD 0.00005; 1000 Genomes Project 30x 0.00016; 1000 Genomes Project 0.00020.
gnomAD v4.1: 13 of 1,591,648 alleles (0.00082%); highest among the groups gnomAD compares: African/African-American, 0.015%; no homozygotes.

Submission:

Labcorp Genetics (formerly Invitae), Labcorp
Classification: Uncertain significance for Primary ciliary dyskinesia 32. Last evaluated: 2021-08-28. Review status: criteria provided, single submitter. Criteria: Invitae Variant Classification Sherloc (09022015). Collection method: clinical testing. Allele origin: germline.
Comment: In summary, the available evidence is currently insufficient to determine the role of this variant in disease. Therefore, it has been classified as a Variant of Uncertain Significance. Algorithms developed to predict the effect of missense changes on protein structure and function (SIFT, PolyPhen-2, Align-GVGD) all suggest that this variant is likely to be tolerated, but these predictions have not been confirmed by published functional studies and their clinical significance is uncertain. This variant has not been reported in the literature in individuals with RSPH3-related conditions. This variant is not present in population databases (ExAC no frequency). This sequence change replaces threonine with lysine at codon 2 of the RSPH3 protein (p.Thr2Lys). The threonine residue is weakly conserved and there is a moderate physicochemical difference between threonine and lysine.

NM_031924.8(RSPH3):c.-422C>A

Genes: RSPH3 (radial spoke head 3; minus strand), TAGAP-AS1 (TAGAP antisense RNA 1; plus strand). Cytogenetic location: 6q25.3.
Variant type: single nucleotide variant.
Coding change: c.-422C>A on transcript NM_031924.8 (MANE Select); 422 bases upstream of the start codon, C replaced by A.
Molecular consequence: 5 prime UTR variant. On other transcripts: missense variant (1), non-coding transcript variant (1).
Genome position (GRCh38, 1-based): chr6:158,999,972, G>T on the plus strand (C>A on the coding strand, the complement: RSPH3 is on the minus strand). VCF-style: chr6-158999972-G-T. GRCh37 (hg19) VCF-style: chr6-159421004-G-T.
Other names: c.5C>A, p.Thr2Lys (NM_001346418.1); short protein forms T2K.
Identifiers: ClinVar variation 968950 (VCV000968950.10), dbSNP rs565392186, ClinGen allele CA151052714.